The following is an entry in ClinVar:

NM_001267550.2(TTN):c.105691C>T (p.Pro35231Ser)

Genes: TTN (titin; minus strand), TTN-AS1 (TTN antisense RNA 1; plus strand), LOC129935183 (ATAC-STARR-seq lymphoblastoid active region 16808; plus strand). Cytogenetic location: 2q31.2.
Variant type: single nucleotide variant.
Coding change: c.105691C>T on transcript NM_001267550.2 (MANE Select); coding-DNA position 105691, C replaced by T.
Protein change: p.Pro35231Ser; replaces proline 35231 with serine.
Molecular consequence: missense variant.
Genome position (GRCh38, 1-based): chr2:178,530,924, G>A on the plus strand (C>T on the coding strand, the complement: TTN is on the minus strand). VCF-style: chr2-178530924-G-A. GRCh37 (hg19) VCF-style: chr2-179395651-G-A.
Other names: c.100768C>T, p.Pro33590Ser (NM_001256850.1); c.78496C>T, p.Pro26166Ser (NM_003319.4); c.97987C>T, p.Pro32663Ser (NM_133378.4); c.78871C>T, p.Pro26291Ser (NM_133432.3); c.79072C>T, p.Pro26358Ser (NM_133437.4); short protein forms P26358S, P33590S, P35231S, P26166S, P32663S, P26291S.
Identifiers: ClinVar variation 2949851 (VCV002949851.3), dbSNP rs777288531, ClinGen allele CA1985220.
Genomic context (GRCh38, chr2:178,530,924, plus strand): 5'-TTGGAGACTTAACTGCTTCTGGGGATTTCACCCGAGGCTCTGGGGATTTGACTCTTGGTG[G>A]TGATGTCACAGCCTTTTCAGTTACCCTGGCCTTTTGAATAGTCAGAGTGAACTCTGCTTC-3'
Protein context (NP_001254479.2, residues 35221-35241): ARVTEKAVTS[Pro35231Ser]PRVKSPEPRV

ClinVar aggregate classification (germline): Uncertain significance (1 of 4 stars; one submission).

Conditions:
Dilated cardiomyopathy 1G (CMD1G). Identifiers: Orphanet 154, MedGen C1858763, MONDO:0011400, OMIM 604145.
Autosomal recessive limb-girdle muscular dystrophy type 2J (LGMDR10). Also called: Limb-girdle muscular dystrophy, type 2J; MUSCULAR DYSTROPHY, LIMB-GIRDLE, AUTOSOMAL RECESSIVE 10. Identifiers: Orphanet 140922, MedGen C1837342, MONDO:0012127, OMIM 608807.

Allele frequency attached by ClinVar (database versions not stated): gnomAD exomes below 0.00001; ExAC 0.00001.
gnomAD v4.1: 5 of 1,613,980 alleles (0.00031%); highest among the groups gnomAD compares: South Asian, 0.0055%; no homozygotes.

Submission:

Labcorp Genetics (formerly Invitae), Labcorp
Classification: Uncertain significance for Dilated cardiomyopathy 1G; Autosomal recessive limb-girdle muscular dystrophy type 2J. Last evaluated: 2023-07-14. Review status: criteria provided, single submitter. Criteria: Invitae Variant Classification Sherloc (09022015). Collection method: clinical testing. Allele origin: germline.
Comment: This variant is located in the M band of TTN (PMID: 25589632). Variants in this region may be relevant for neuromuscular disorders, but have not been definitively shown to cause cardiomyopathy (PMID: 23975875). In summary, the available evidence is currently insufficient to determine the role of this variant in disease. Therefore, it has been classified as a Variant of Uncertain Significance. Experimental studies and prediction algorithms are not available or were not evaluated, and the functional significance of this variant is currently unknown. This variant has not been reported in the literature in individuals affected with TTN-related conditions. This variant is present in population databases (rs777288531, gnomAD 0.003%). This sequence change replaces proline, which is neutral and non-polar, with serine, which is neutral and polar, at codon 35231 of the TTN protein (p.Pro35231Ser).

Literature cited by the submitters: PubMed 25589632; PubMed 23975875.